The following is an entry in ClinVar:

NM_001164508.2(NEB):c.13234del (p.Ala4412fs)

Gene: NEB (nebulin; minus strand). Cytogenetic location: 2q23.3.
Variant type: Deletion.
Coding change: c.13234del on transcript NM_001164508.2 (MANE Select); coding-DNA position 13234, one base deleted (G; older notation c.13234delG).
Protein change: p.Ala4412fs; shifts the reading frame from alanine 4412.
Molecular consequence: frameshift variant. On other transcripts: intron variant (1).
Genome position (GRCh38, 1-based): chr2:151,603,598, C deleted on the plus strand (G on the coding strand, the reverse complement: NEB is on the minus strand); the first of 2 consecutive C bases (chr2:151,603,598-151,603,599); deleting either gives the same sequence. VCF-style (leftmost placement, unchanged base first): chr2-151603597-GC-G. GRCh37 (hg19) VCF-style: chr2-152460111-GC-G.
Other names: c.13234del, p.Ala4412fs (NM_001164507.2, NM_001271208.2); c.13233delG, p.Ala4412Glnfs (NM_001271208.1); c.11601+6211del (NM_004543.5); c.13234delG (NM_001164507.2); short protein forms A4412fs.
Identifiers: ClinVar variation 3239856 (VCV003239856.3), dbSNP rs2097567446.

ClinVar aggregate classification (germline): Likely pathogenic. Review status: criteria provided, multiple submitters, no conflicts (2 of 4 stars). 3 submissions from 3 submitters: Likely pathogenic (3). Last evaluated 2025-10-20.

Conditions:
Nemaline myopathy 2 (NEM2). Also called: Nemaline myopathy 2, autosomal recessive. Identifiers: MedGen C1850569, MONDO:0009725, OMIM 256030.
Arthrogryposis multiplex congenita 6. Identifiers: MedGen C5543431, MONDO:0030281, OMIM 619334.

Submissions (3):

Natera, Inc.
Classification: Likely pathogenic for Nemaline myopathy type 2. Last evaluated: 2025-10-20. Review status: criteria provided, single submitter. Criteria: Natera Variant Classification Schema (03/2026). Collection method: clinical testing. Allele origin: germline.
Comment: The c.13234del variant in NEB is a frameshift variant predicted to shift the reading frame beginning at codon 4412 and leads to a stop codon 24 codons downstream. This variant is expected to result in nonsense mediated decay, truncation, or a dysfunctional protein product. This variant is rare in the general population with a frequency below the threshold expected for the associated phenotype(s). Given the available evidence, this variant is classified as Likely Pathogenic.

Variantyx, Inc.
Classification: Likely pathogenic for Arthrogryposis multiplex congenita 6. Last evaluated: 2025-06-07. Review status: criteria provided, single submitter. Criteria: Variantyx Assertion Criteria 2022. Collection method: clinical testing. Allele origin: germline. Inheritance: Autosomal recessive inheritance. Affected: yes.
Comment: This is a frameshift variant in the NEB gene (OMIM: 161650). Pathogenic variants in this gene have been associated with autosomal recessive arthrogryposis multiplex congenita 6. This variant introduces a premature termination codon in exon 86 out of 182 and is expected to result in loss of function, which is a known disease mechanism for NEB in this disorder (PMID:10051637) (PVS1). This variant has a 0.0003% maximum allele frequency in non-founder control populations (PM2). Based on the current evidence, this variant is classified as likely pathogenic for autosomal recessive arthrogryposis multiplex congenita 6.

Baylor Genetics
Classification: Likely pathogenic for Arthrogryposis multiplex congenita 6. Last evaluated: 2024-03-26. Review status: criteria provided, single submitter. Criteria: ACMG Guidelines, 2015. Collection method: clinical testing. Allele origin: unknown.

Literature cited by the submitters: PubMed 10051637 (cited by Variantyx, Inc.).